The following is an entry in ClinVar:

ClinVar aggregate classification (germline): Benign (0 of 4 stars; one submission).

Conditions:
TOP6BL-related disorder. Also called: TOP6BL-related condition.

Allele frequency attached by ClinVar (database versions not stated): 1000 Genomes Project 0.19429; 1000 Genomes Project 30x 0.19613; ExAC 0.23550; TOPMed 0.23721; gnomAD 0.23975; ESP Exome Variant Server 0.24327; gnomAD exomes 0.24907.
gnomAD v4.1: 399,581 of 1,610,532 alleles (25%); highest among the groups gnomAD compares: Middle Eastern, 28%; 51,072 homozygotes.

Submission:

PreventionGenetics, part of Exact Sciences
Classification: Benign for TOP6BL-related condition. Last evaluated: 2019-10-21. Review status: no assertion criteria provided. Collection method: clinical testing. Allele origin: germline.
Comment: This variant is classified as benign based on ACMG/AMP sequence variant interpretation guidelines (Richards et al. 2015 PMID: 25741868, with internal and published modifications).

NM_001302084.2(TOP6BL):c.1476G>C (p.Val492=)

Gene: TOP6BL (TOP6B like initiator of meiotic double strand breaks; plus strand). Cytogenetic location: 11q13.2.
Variant type: single nucleotide variant.
Coding change: c.1476G>C on transcript NM_001302084.2 (MANE Select); coding-DNA position 1476, G replaced by C.
Protein change: p.Val492=; no amino-acid change (valine 492 retained).
Molecular consequence: synonymous variant.
Genome position (GRCh38, 1-based): chr11:66,843,174, G>C. VCF-style: chr11-66843174-G-C. GRCh37 (hg19) VCF-style: chr11-66610645-G-C.
Other names: c.1827G>C, p.Val609= (NM_024650.4).
Identifiers: ClinVar variation 3060507 (VCV003060507.2), dbSNP rs7570, ClinGen allele CA6130300.